The following is an entry in ClinVar:

ClinVar aggregate classification (germline): Conflicting classifications of pathogenicity. Review status: criteria provided, conflicting classifications (1 of 4 stars). 5 submissions from 5 submitters: Uncertain significance (3); Likely benign (2). Last evaluated 2025-12-11.

Conditions:
Arrhythmogenic right ventricular dysplasia 8 (ARVD8). Also called: Arrhythmogenic Right Ventricular Dysplasia/Cardiomyopathy 8; ARRHYTHMOGENIC RIGHT VENTRICULAR CARDIOMYOPATHY 8; ARRHYTHMOGENIC RIGHT VENTRICULAR DYSPLASIA, FAMILIAL, 8. Identifiers: MedGen C1843896, MONDO:0011831, OMIM 607450.
Arrhythmogenic cardiomyopathy with wooly hair and keratoderma. Also called: PALMOPLANTAR KERATODERMA WITH LEFT VENTRICULAR CARDIOMYOPATHY AND WOOLLY HAIR; Carvajal syndrome; Dilated cardiomyopathy with woolly hair and keratoderma; Arrhythmogenic cardiomyopathy with woolly hair and keratoderma. Identifiers: Orphanet 65282, MedGen C1854063, MONDO:0011581, OMIM 605676.
Cardiovascular phenotype. Identifiers: MedGen CN230736.
Cardiomyopathy (CMYO). Also called: Cardiomyopathies. Identifiers: Orphanet 167848, MedGen C0878544, MONDO:0004994, HP:0001638. Inheritance: Various modes of inheritance.

Allele frequency attached by ClinVar (database versions not stated): gnomAD 0.00001; gnomAD exomes 0.00001; ExAC 0.00002.
gnomAD v4.1: 13 of 1,614,018 alleles (0.00081%); highest among the groups gnomAD compares: Non-Finnish European, 0.001%; no homozygotes.

Submissions (5):

Ambry Genetics
Classification: Uncertain significance for Cardiovascular phenotype. Last evaluated: 2025-12-11. Review status: criteria provided, single submitter. Criteria: Ambry Variant Classification Scheme 2023. Collection method: clinical testing. Allele origin: germline.
Comment: The p.D136E variant (also known as c.408T>G), located in coding exon 3 of the DSP gene, results from a T to G substitution at nucleotide position 408. The aspartic acid at codon 136 is replaced by glutamic acid, an amino acid with highly similar properties. This amino acid position is conserved. In addition, this alteration is predicted to be tolerated by in silico analysis. Based on the available evidence, the clinical significance of this variant remains unclear.

Labcorp Genetics (formerly Invitae), Labcorp
Classification: Likely benign for Arrhythmogenic cardiomyopathy with wooly hair and keratoderma; Arrhythmogenic right ventricular dysplasia 8. Last evaluated: 2025-10-02. Review status: criteria provided, single submitter. Criteria: Invitae Variant Classification Sherloc (09022015). Collection method: clinical testing. Allele origin: germline.

All of Us Research Program, National Institutes of Health
Classification: Uncertain significance for Arrhythmogenic cardiomyopathy with wooly hair and keratoderma. Last evaluated: 2024-05-14. Review status: criteria provided, single submitter. Criteria: ACMG Guidelines, 2015. Collection method: clinical testing. Allele origin: germline. Inheritance: Autosomal dominant inheritance. Observed: 1 variant allele, 1 heterozygote.
Comment: This missense variant replaces aspartic acid with glutamic acid at codon 136 of the DSP protein. Computational prediction suggests that this variant may not impact protein structure and function (internally defined REVEL score threshold <= 0.5, PMID: 27666373). To our knowledge, functional studies have not been reported for this variant. This variant has not been reported in individuals affected with DSP-related disorders in the literature. This variant has been identified in 4/282602 chromosomes in the general population by the Genome Aggregation Database (gnomAD). The available evidence is insufficient to determine the role of this variant in disease conclusively. Therefore, this variant is classified as a Variant of Uncertain Significance.

This study involves interpretation of variants in research participants for the purpose of population health screening. Participant phenotype was not available at the time of variant classification. Additional details can be found in publication PMID: 35346344, PMCID: PMC8962531

Color Diagnostics, LLC DBA Color Health
Classification: Uncertain significance for Cardiomyopathy. Last evaluated: 2024-04-23. Review status: criteria provided, single submitter. Criteria: ACMG Guidelines, 2015. Collection method: clinical testing. Allele origin: germline.
Comment: This missense variant replaces aspartic acid with glutamic acid at codon 136 of the DSP protein. Computational prediction suggests that this variant may not impact protein structure and function. To our knowledge, functional studies have not been reported for this variant. This variant has not been reported in individuals affected with DSP-related disorders in the literature. This variant has been identified in 4/282602 chromosomes in the general population by the Genome Aggregation Database (gnomAD). The available evidence is insufficient to determine the role of this variant in disease conclusively. Therefore, this variant is classified as a Variant of Uncertain Significance.

Blueprint Genetics
Classification: Likely benign. Last evaluated: 2023-03-03. Review status: criteria provided, single submitter. Criteria: ACMG Guidelines, 2015. Collection method: clinical testing. Allele origin: germline.

NM_004415.4(DSP):c.408T>G (p.Asp136Glu)

Gene: DSP (desmoplakin; plus strand). Cytogenetic location: 6p24.3.
Variant type: single nucleotide variant.
Coding change: c.408T>G on transcript NM_004415.4 (MANE Select); coding-DNA position 408, T replaced by G.
Protein change: p.Asp136Glu; replaces aspartic acid 136 with glutamic acid.
Molecular consequence: missense variant.
Genome position (GRCh38, 1-based): chr6:7,558,250, T>G. VCF-style: chr6-7558250-T-G. GRCh37 (hg19) VCF-style: chr6-7558483-T-G.
Other names: c.408T>G, p.Asp136Glu (NM_001008844.3, NM_001319034.2); short protein forms D136E.
Identifiers: ClinVar variation 945864 (VCV000945864.14), dbSNP rs774188472, ClinGen allele CA040110.
Genomic context (GRCh38, chr6:7,558,250, plus strand): 5'-CCAAATGGAAATCCTCGACAGCTTGATCAGAGAGATGCGGCAGATGGGCCAGCCCTGTGA[T>G]GCTTACCAGAAAAGGTATTGTCCACAGAGCATGGATCGGGCAGTCCCCATGAAAAAGAAC-3'
Protein context (NP_004406.2, residues 126-146): REMRQMGQPC[Asp136Glu]AYQKRLLQLQ